The following is an entry in ClinVar:

ClinVar aggregate classification (germline): Benign/Likely benign. Review status: criteria provided, multiple submitters, no conflicts (2 of 4 stars). 5 submissions from 5 submitters: Benign (1); Likely benign (3). 1 of the submissions does not count toward it. Last evaluated 2021-06-18.

Conditions:
WAC-related disorder. Also called: WAC-related condition.
Inborn genetic diseases. Identifiers: MedGen C0950123, MeSH D030342.

Allele frequency attached by ClinVar (database versions not stated): gnomAD exomes 0.00004; ExAC 0.00015; 1000 Genomes Project 30x 0.00016; 1000 Genomes Project 0.00020; gnomAD 0.00048 and 0.00054; TOPMed 0.00068; ESP Exome Variant Server 0.00069.
gnomAD v4.1: 135 of 1,614,178 alleles (0.0084%); highest among the groups gnomAD compares: African/African-American, 0.15%; no homozygotes.

Submissions (5):

Ambry Genetics
Classification: Likely benign for Inborn genetic diseases. Last evaluated: 2021-06-18. Review status: criteria provided, single submitter. Criteria: Ambry Variant Classification Scheme 2023. Collection method: clinical testing. Allele origin: germline.

GeneDx
Classification: Benign. Last evaluated: 2020-07-11. Review status: criteria provided, single submitter. Criteria: GeneDx Variant Classification Process June 2021. Collection method: clinical testing. Allele origin: germline. Affected: yes.
Comment: This variant is associated with the following publications: (PMID: 28191889)

Labcorp Genetics (formerly Invitae), Labcorp
Classification: Likely benign. Last evaluated: 2017-12-11. Review status: criteria provided, single submitter. Criteria: Invitae Variant Classification Sherloc (09022015). Collection method: clinical testing. Allele origin: germline.

Breakthrough Genomics
Classification: Likely benign. Review status: criteria provided, single submitter. Criteria: ACMG Guidelines, 2015. Collection method: not provided. Allele origin: germline. Inheritance: Autosomal dominant inheritance. Affected: yes.

PreventionGenetics, part of Exact Sciences
Classification: Likely benign for WAC-related condition. Last evaluated: 2024-09-27. Review status: no assertion criteria provided. Collection method: clinical testing. Allele origin: germline. Not counted in ClinVar's aggregate classification.
Comment: This variant is classified as likely benign based on ACMG/AMP sequence variant interpretation guidelines (Richards et al. 2015 PMID: 25741868, with internal and published modifications).

NM_016628.5(WAC):c.1391C>T (p.Pro464Leu)

Gene: WAC (WW domain containing adaptor with coiled-coil; plus strand). Cytogenetic location: 10p12.1.
Variant type: single nucleotide variant.
Coding change: c.1391C>T on transcript NM_016628.5 (MANE Select); coding-DNA position 1391, C replaced by T.
Protein change: p.Pro464Leu; replaces proline 464 with leucine.
Molecular consequence: missense variant.
Genome position (GRCh38, 1-based): chr10:28,611,876, C>T. VCF-style: chr10-28611876-C-T. GRCh37 (hg19) VCF-style: chr10-28900805-C-T.
Other names: c.1256C>T, p.Pro419Leu (NM_100264.3); c.1082C>T, p.Pro361Leu (NM_100486.4); short protein forms P419L, P361L, P464L.
Identifiers: ClinVar variation 731108 (VCV000731108.9), dbSNP rs138875504, ClinGen allele CA5455034.